The following is an entry in ClinVar:

ClinVar aggregate classification (germline): Uncertain significance (1 of 4 stars; one submission).

gnomAD v4.1: 78 of 1,613,234 alleles (0.0048%); highest among the groups gnomAD compares: Non-Finnish European, 0.0065%; no homozygotes.

Submission:

Mayo Clinic Laboratories, Mayo Clinic
Classification: Uncertain significance. Last evaluated: 2025-07-02. Review status: criteria provided, single submitter. Criteria: ACMG Guidelines, 2015. Collection method: clinical testing. Allele origin: germline. Observed: 1 variant allele.
Comment: PM2_supporting

Literature cited by the submitters: PubMed 39660638.

NM_018319.4(TDP1):c.660-1G>A

Gene: TDP1 (tyrosyl-DNA phosphodiesterase 1; plus strand). Cytogenetic location: 14q32.11.
Variant type: single nucleotide variant.
Coding change: c.660-1G>A on transcript NM_018319.4 (MANE Select); the canonical splice acceptor site of the intron before coding-DNA position 660, G replaced by A.
Molecular consequence: splice acceptor variant.
Genome position (GRCh38, 1-based): chr14:89,971,174, G>A. VCF-style: chr14-89971174-G-A. GRCh37 (hg19) VCF-style: chr14-90437518-G-A.
Other names: c.660-1G>A (NM_001330205.2, NM_001008744.2).
Identifiers: ClinVar variation 4541896 (VCV004541896.1).